The following is an entry in ClinVar:

ClinVar aggregate classification (germline): Likely pathogenic (1 of 4 stars; one submission).

Conditions:
Glutaric acidemia type 2C.

gnomAD v4.1: 1 of 1,608,700 alleles (0.000062%); highest among the groups gnomAD compares: Non-Finnish European, 0.000085%; no homozygotes.

Submission:

Natera, Inc.
Classification: Likely pathogenic for Glutaric acidemia type 2C. Last evaluated: 2024-10-04. Review status: criteria provided, single submitter. Criteria: Natera Variant Classification Schema (03/2026). Collection method: clinical testing. Allele origin: germline.
Comment: The c.175+1G>A variant in ETFDH is a canonical splice donor site variant predicted to affect pre-mRNA splicing, which may result in an abnormal transcript and altered protein product. This variant is expected to result in nonsense mediated decay, truncation, or a dysfunctional protein product. This variant is rare in the general population with a frequency below the threshold expected for the associated phenotype(s). Given the available evidence, this variant is classified as Likely Pathogenic.

NM_004453.4(ETFDH):c.175+1G>A

Gene: ETFDH (electron transfer flavoprotein dehydrogenase; plus strand). Cytogenetic location: 4q32.1.
Variant type: single nucleotide variant.
Coding change: c.175+1G>A on transcript NM_004453.4 (MANE Select); the canonical splice donor site of the intron after coding-DNA position 175, G replaced by A.
Molecular consequence: splice donor variant. On other transcripts: intron variant (1).
Genome position (GRCh38, 1-based): chr4:158,680,608, G>A. VCF-style: chr4-158680608-G-A. GRCh37 (hg19) VCF-style: chr4-159601760-G-A.
Other names: c.35-1587G>A (NM_001281737.2).
Identifiers: ClinVar variation 4815348 (VCV004815348.1).